The following is an entry in ClinVar:

NM_001199397.3(NEK1):c.*551A>T

Gene: NEK1 (NIMA related kinase 1; minus strand). Cytogenetic location: 4q33.
Variant type: single nucleotide variant.
Coding change: c.*551A>T on transcript NM_001199397.3 (MANE Select); 551 bases downstream of the stop codon, A replaced by T.
Molecular consequence: 3 prime UTR variant. On other transcripts: non-coding transcript variant (1).
Genome position (GRCh38, 1-based): chr4:169,393,959, T>A on the plus strand (A>T on the coding strand, the complement: NEK1 is on the minus strand). VCF-style: chr4-169393959-T-A. GRCh37 (hg19) VCF-style: chr4-170315110-T-A.
Other names: c.*551A>T (NM_001199398.3, NM_001199399.3, NM_001199400.3 and 5 more transcripts).
Identifiers: ClinVar variation 899464 (VCV000899464.4), dbSNP rs181225797, ClinGen allele CA110542636.

ClinVar aggregate classification (germline): Benign (1 of 4 stars; one submission).

Conditions:
Short-rib thoracic dysplasia 6 with or without polydactyly (SRTD6). Also called: POLYDACTYLY WITH NEONATAL CHONDRODYSTROPHY, TYPE II; SHORT RIB-POLYDACTYLY SYNDROME, TYPE IIA; SHORT-RIB THORACIC DYSPLASIA 6 WITH POLYDACTYLY; SHORT-RIB THORACIC DYSPLASIA 6 WITHOUT POLYDACTYLY; Majewski Syndrome. Identifiers: MedGen C0024507, MONDO:0009894, OMIM 263520.

Allele frequency attached by ClinVar (database versions not stated): gnomAD 0.00360 and 0.00361; 1000 Genomes Project 0.00479; 1000 Genomes Project 30x 0.00531; TOPMed 0.00642.

Submission:

Illumina Laboratory Services, Illumina
Classification: Benign for Short-rib thoracic dysplasia 6 with or without polydactyly. Last evaluated: 2017-04-27. Review status: criteria provided, single submitter. Criteria: ICSL Variant Classification Criteria 13 December 2019. Collection method: clinical testing. Allele origin: germline.
Comment: This variant was observed as part of a predisposition screen in an ostensibly healthy population. A literature search was performed for the gene, cDNA change, and amino acid change (where applicable). No publications were found based on this search. Allele frequency data from public databases was too high to be consistent with this variant causing disease. Therefore, this variant is classified as benign.